The following is an entry in ClinVar:

ClinVar aggregate classification (germline): Uncertain significance (1 of 4 stars; one submission).

Conditions:
PURA-related severe neonatal hypotonia-seizures-encephalopathy syndrome (NEDRIHF). Also called: NEURODEVELOPMENTAL DISORDER WITH NEONATAL RESPIRATORY INSUFFICIENCY, HYPOTONIA, AND FEEDING DIFFICULTIES; PURA-Related Neurodevelopmental Disorders. Identifiers: Orphanet 438213, Orphanet 438216, MedGen C4015357, MONDO:1060108, OMIM 616158, MONDO:0018580.

gnomAD v4.1: 1 of 1,586,296 alleles (0.000063%); highest among the groups gnomAD compares: Non-Finnish European, 0.000086%; no homozygotes.

Submission:

Labcorp Genetics (formerly Invitae), Labcorp
Classification: Uncertain significance for PURA-related severe neonatal hypotonia-seizures-encephalopathy syndrome. Last evaluated: 2020-04-23. Review status: criteria provided, single submitter. Criteria: Invitae Variant Classification Sherloc (09022015). Collection method: clinical testing. Allele origin: germline.
Comment: Algorithms developed to predict the effect of missense changes on protein structure and function are either unavailable or do not agree on the potential impact of this missense change (SIFT: "Deleterious"; PolyPhen-2: "Not Available"; Align-GVGD: "Class C0"). In summary, the available evidence is currently insufficient to determine the role of this variant in disease. Therefore, it has been classified as a Variant of Uncertain Significance. This variant has not been reported in the literature in individuals with PURA-related conditions. This variant is not present in population databases (ExAC no frequency). This sequence change replaces glutamine with proline at codon 314 of the PURA protein (p.Gln314Pro). The glutamine residue is moderately conserved and there is a moderate physicochemical difference between glutamine and proline.

NM_005859.5(PURA):c.941A>C (p.Gln314Pro)

Gene: PURA (purine rich element binding protein A; plus strand). Cytogenetic location: 5q31.3.
Variant type: single nucleotide variant.
Coding change: c.941A>C on transcript NM_005859.5 (MANE Select); coding-DNA position 941, A replaced by C.
Protein change: p.Gln314Pro; replaces glutamine 314 with proline.
Molecular consequence: missense variant.
Genome position (GRCh38, 1-based): chr5:140,115,122, A>C. VCF-style: chr5-140115122-A-C. GRCh37 (hg19) VCF-style: chr5-139494707-A-C.
Other names: short protein forms Q314P.
Identifiers: ClinVar variation 1023880 (VCV001023880.9), dbSNP rs1763059029, ClinGen allele CA361491920.